The following is an entry in ClinVar:

NC_000017.11:g.(?_17216370)_(17228161_?)del

Gene: FLCN (folliculin; minus strand). Cytogenetic location: 17p11.2.
Variant type: Deletion.
Identifiers: ClinVar variation 831982 (VCV000831982.3).

ClinVar aggregate classification (germline): Pathogenic (1 of 4 stars; one submission).

Conditions:
Birt-Hogg-Dube syndrome. Also called: Birt Hogg Dubé syndrome. Identifiers: Orphanet 122, MedGen C0346010, MONDO:0800444.

Submission:

Labcorp Genetics (formerly Invitae), Labcorp
Classification: Pathogenic for Birt-Hogg-Dube syndrome. Last evaluated: 2023-03-26. Review status: criteria provided, single submitter. Criteria: Invitae Variant Classification Sherloc (09022015). Collection method: clinical testing. Allele origin: germline.
Comment: For these reasons, this variant has been classified as Pathogenic. This variant has not been reported in the literature in individuals affected with FLCN-related conditions. This variant is a gross deletion of the genomic region encompassing exon(s) 4-11 of the FLCN gene, which includes the initiator codon. This deletion extends beyond the assayed region for this gene and therefore may encompass additional genes. It is expected to result in an absent or disrupted protein product. Loss-of-function variants in FLCN are known to be pathogenic (PMID: 15852235).

Literature cited by the submitters: PubMed 15852235.